The following is an entry in ClinVar:

ClinVar aggregate classification (germline): Benign/Likely benign. Review status: criteria provided, multiple submitters, no conflicts (2 of 4 stars). 3 submissions from 3 submitters: Benign (1); Likely benign (2). Last evaluated 2025-12-14.

Conditions:
Hereditary cancer-predisposing syndrome. Also called: Tumor predisposition; Hereditary Cancer Syndrome; Neoplastic Syndromes, Hereditary; Hereditary neoplastic syndrome. Identifiers: Orphanet 140162, MedGen C0027672, MeSH D009386, MONDO:0015356.
Familial adenomatous polyposis 1 (FAP1). Also called: POLYPOSIS, ADENOMATOUS INTESTINAL; FAMILIAL ADENOMATOUS POLYPOSIS 1, ATTENUATED. Identifiers: MedGen C2713442, MONDO:0021056, OMIM 175100. Disease mechanism: loss of function.

Allele frequency attached by ClinVar (database versions not stated): gnomAD exomes 0.00001.
gnomAD v4.1: 3 of 1,612,760 alleles (0.00019%); highest among the groups gnomAD compares: Admixed American, 0.0033%; no homozygotes.

Submissions (3):

Labcorp Genetics (formerly Invitae), Labcorp
Classification: Likely benign for Familial adenomatous polyposis 1. Last evaluated: 2025-12-14. Review status: criteria provided, single submitter. Criteria: Invitae Variant Classification Sherloc (09022015). Collection method: clinical testing. Allele origin: germline.

Myriad Genetics, Inc.
Classification: Benign for Familial adenomatous polyposis 1. Last evaluated: 2024-04-16. Review status: criteria provided, single submitter. Criteria: Myriad Autosomal Dominant, Autosomal Recessive and X-Linked Classification Criteria (2023). Collection method: clinical testing. Allele origin: unknown.
Comment: This variant is considered benign. This variant is a silent/synonymous amino acid change and it is not expected to impact splicing.

Color Diagnostics, LLC DBA Color Health
Classification: Likely benign for Hereditary cancer-predisposing syndrome. Last evaluated: 2021-03-22. Review status: criteria provided, single submitter. Criteria: ACMG Guidelines, 2015. Collection method: clinical testing. Allele origin: germline.

NM_000038.6(APC):c.8508G>A (p.Gly2836=)

Gene: APC (APC regulator of Wnt signaling pathway; plus strand). Cytogenetic location: 5q22.2.
Variant type: single nucleotide variant.
Coding change: c.8508G>A on transcript NM_000038.6 (MANE Select); coding-DNA position 8508, G replaced by A.
Protein change: p.Gly2836=; no amino-acid change (glycine 2836 retained).
Molecular consequence: synonymous variant.
Genome position (GRCh38, 1-based): chr5:112,844,102, G>A. VCF-style: chr5-112844102-G-A. GRCh37 (hg19) VCF-style: chr5-112179799-G-A.
Other names: c.8508G>A, p.Gly2836= (NM_001127510.3, NM_001354895.2); c.8454G>A, p.Gly2818= (NM_001127511.3); c.8562G>A, p.Gly2854= (NM_001354896.2); c.8538G>A, p.Gly2846= (NM_001354897.2); c.8433G>A, p.Gly2811= (NM_001354898.2); c.8424G>A, p.Gly2808= (NM_001354899.2); c.8385G>A, p.Gly2795= (NM_001354900.2); c.8331G>A, p.Gly2777= (NM_001354901.2); and 5 more.
Identifiers: ClinVar variation 1332559 (VCV001332559.8), dbSNP rs878853479, ClinGen allele CA446211477.
Genomic context (GRCh38, chr5:112,844,102, plus strand): 5'-AGATTCCAAAACTGACAGCACAGAATCCAGTGGAACCCAAAGTCCTAAGCGCCATTCTGG[G>A]TCTTACCTTGTGACATCTGTTTAAAAGAGAGGAAGAATGAAACTAAGAAAATTCTATGTT-3'
Protein context (NP_000029.2, residues 2826-2843): SGTQSPKRHS[Gly2836=]SYLVTSV